The following is an entry in ClinVar:

ClinVar aggregate classification (germline): Benign. Review status: criteria provided, multiple submitters, no conflicts (2 of 4 stars). 2 submissions from 2 submitters: Benign (2). Last evaluated 2018-01-12.

Conditions:
Emery-Dreifuss muscular dystrophy 5, autosomal dominant (EDMD5). Also called: EMERY-DREIFUSS MUSCULAR DYSTROPHY 5. Identifiers: Orphanet 261, MedGen C2751805, MONDO:0013072, OMIM 612999.

Allele frequency attached by ClinVar (database versions not stated): 1000 Genomes Project 30x 0.00328; 1000 Genomes Project 0.00339; TOPMed 0.00702; gnomAD exomes 0.00893.

Submissions (2):

Illumina Laboratory Services, Illumina
Classification: Benign for Emery-Dreifuss muscular dystrophy 5, autosomal dominant. Last evaluated: 2018-01-12. Review status: criteria provided, single submitter. Criteria: ICSL Variant Classification Criteria 13 December 2019. Collection method: clinical testing. Allele origin: germline.
Comment: This variant was observed in the ICSL laboratory as part of a predisposition screen in an ostensibly healthy population. It had not been previously curated by ICSL or reported in the Human Gene Mutation Database (HGMD: prior to June 1st, 2018), and was therefore a candidate for classification through an automated scoring system. Utilizing variant allele frequency, disease prevalence and penetrance estimates, and inheritance mode, an automated score was calculated to assess if this variant is too frequent to cause the disease. Based on the score and internal cut-off values, a variant classified as benign is not then subjected to further curation. The score for this variant resulted in a classification of benign for this disease.

Breakthrough Genomics
Classification: Benign. Review status: criteria provided, single submitter. Criteria: ACMG Guidelines, 2015. Collection method: not provided. Allele origin: germline. Inheritance: Autosomal dominant inheritance. Affected: yes.

NM_182914.3(SYNE2):c.-52+9G>A

Genes: SYNE2 (spectrin repeat containing nuclear envelope protein 2; plus strand), LOC130055816 (ATAC-STARR-seq lymphoblastoid silent region 5831; plus strand). Cytogenetic location: 14q23.2.
Variant type: single nucleotide variant.
Coding change: c.-52+9G>A on transcript NM_182914.3 (MANE Select); 9 bases into the intron after 52 bases upstream of the start codon, G replaced by A.
Molecular consequence: intron variant.
Genome position (GRCh38, 1-based): chr14:63,853,152, G>A. VCF-style: chr14-63853152-G-A. GRCh37 (hg19) VCF-style: chr14-64319870-G-A.
Other names: c.-52+9G>A (NM_015180.6).
Identifiers: ClinVar variation 313481 (VCV000313481.6), dbSNP rs535493323, ClinGen allele CA10640420.